The following is an entry in ClinVar:

NM_006767.4(LZTR1):c.1250A>C (p.Tyr417Ser)

Gene: LZTR1 (leucine zipper like post translational regulator 1; plus strand). Cytogenetic location: 22q11.21.
Variant type: single nucleotide variant.
Coding change: c.1250A>C on transcript NM_006767.4 (MANE Select); coding-DNA position 1250, A replaced by C.
Protein change: p.Tyr417Ser; replaces tyrosine 417 with serine.
Molecular consequence: missense variant.
Genome position (GRCh38, 1-based): chr22:20,992,894, A>C. VCF-style: chr22-20992894-A-C. GRCh37 (hg19) VCF-style: chr22-21347183-A-C.
Other names: short protein forms Y417S.
Identifiers: ClinVar variation 391348 (VCV000391348.4), dbSNP rs1057524046, ClinGen allele CA16608588.
Genomic context (GRCh38, chr22:20,992,894, plus strand): 5'-CGGACGCCATGTACATCTTCGGGGGCACGGTGGACAACAACATCCGCAGCGGGGAGATGT[A>C]CAGGTTCCAGGTGTGGGGCCTGTGGGCCTGTAGAGCCGGCTGGGTGGACGGATCCCCCGT-3'
Protein context (NP_006758.2, residues 407-427): VDNNIRSGEM[Tyr417Ser]RFQFSCYPKC

ClinVar aggregate classification (germline): Conflicting classifications of pathogenicity. Review status: criteria provided, conflicting classifications (1 of 4 stars). 2 submissions from 2 submitters: Likely pathogenic (1); Uncertain significance (1). Last evaluated 2024-07-02.

Submissions (2):

Labcorp Genetics (formerly Invitae), Labcorp
Classification: Uncertain significance. Last evaluated: 2024-07-02. Review status: criteria provided, single submitter. Criteria: Invitae Variant Classification Sherloc (09022015). Collection method: clinical testing. Allele origin: germline.
Comment: This sequence change replaces tyrosine, which is neutral and polar, with serine, which is neutral and polar, at codon 417 of the LZTR1 protein (p.Tyr417Ser). This variant is not present in population databases (gnomAD no frequency). This variant has not been reported in the literature in individuals affected with LZTR1-related conditions. ClinVar contains an entry for this variant (Variation ID: 391348). Advanced modeling of protein sequence and biophysical properties (such as structural, functional, and spatial information, amino acid conservation, physicochemical variation, residue mobility, and thermodynamic stability) performed at Invitae indicates that this missense variant is not expected to disrupt LZTR1 protein function with a negative predictive value of 80%. In summary, the available evidence is currently insufficient to determine the role of this variant in disease. Therefore, it has been classified as a Variant of Uncertain Significance.

GeneDx
Classification: Likely pathogenic. Last evaluated: 2016-12-13. Review status: criteria provided, single submitter. Criteria: GeneDx Variant Classification (06012015). Collection method: clinical testing. Allele origin: germline. Affected: yes.
Comment: The Y417S variant in the LZTR1 gene has not been reported previously as a pathogenic variant, nor as a benign variant, to our knowledge. The Y417S variant was not observed in approximately 6500 individuals of European and African American ancestry in the NHLBI Exome Sequencing Project, indicating it is not a common benign variant in these populations. The Y417S variant is a semi-conservative amino acid substitution, which may impact secondary protein structure as these residues differ in some properties. In addition, this substitution occurs at a position within Kelch domain 6 that is conserved across species, and in silico analysis predicts this variant is probably damaging to the protein structure/function. Although no functional studies have been performed to our knowledge, other missense variants within the Kelch domain have been reported in the Human Gene Mutation Database in association with Noonan syndrome (Stenson et al., 2014). The Y417S variant is a strong candidate for a pathogenic variant.